The following is an entry in ClinVar:

NM_001371623.1(TCOF1):c.1484C>T (p.Ala495Val)

Gene: TCOF1 (treacle ribosome biogenesis factor 1; plus strand). Cytogenetic location: 5q32.
Variant type: single nucleotide variant.
Coding change: c.1484C>T on transcript NM_001371623.1 (MANE Select); coding-DNA position 1484, C replaced by T.
Protein change: p.Ala495Val; replaces alanine 495 with valine.
Molecular consequence: missense variant.
Genome position (GRCh38, 1-based): chr5:150,375,159, C>T. VCF-style: chr5-150375159-C-T. GRCh37 (hg19) VCF-style: chr5-149754722-C-T.
Other names: c.1253C>T, p.Ala418Val (NM_000356.4, NM_001135245.2); c.1484C>T, p.Ala495Val (NM_001008657.3, NM_001135243.2, NM_001135244.2 and 1 more transcripts); short protein forms A418V, A495V.
Identifiers: ClinVar variation 3251011 (VCV003251011.18), dbSNP rs2533434847.

ClinVar aggregate classification (germline): Uncertain significance (1 of 4 stars; one submission).

Submission:

CeGaT Center for Human Genetics Tuebingen
Classification: Uncertain significance. Last evaluated: 2024-06-01. Review status: criteria provided, single submitter. Criteria: CeGaT Center For Human Genetics Tuebingen Variant Classification Criteria Version 2. Collection method: clinical testing. Allele origin: germline. Affected: yes. Observed: 1 variant allele.
Comment: TCOF1: PM2, BP4